The following is an entry in ClinVar:

NM_005677.4(COLQ):c.188C>T (p.Pro63Leu)

Gene: COLQ (collagen like tail subunit of asymmetric acetylcholinesterase; minus strand). Cytogenetic location: 3p25.1.
Variant type: single nucleotide variant.
Coding change: c.188C>T on transcript NM_005677.4 (MANE Select); coding-DNA position 188, C replaced by T.
Protein change: p.Pro63Leu; replaces proline 63 with leucine.
Molecular consequence: missense variant.
Genome position (GRCh38, 1-based): chr3:15,489,556, G>A on the plus strand (C>T on the coding strand, the complement: COLQ is on the minus strand). VCF-style: chr3-15489556-G-A. GRCh37 (hg19) VCF-style: chr3-15531063-G-A.
Other names: c.158C>T, p.Pro53Leu (NM_080538.2); c.188C>T, p.Pro63Leu (NM_080539.4); short protein forms P63L, P53L.
Identifiers: ClinVar variation 468344 (VCV000468344.11), dbSNP rs1553637369, ClinGen allele CA351601464.
Genomic context (GRCh38, chr3:15,489,556, plus strand): 5'-TTTCCTCTCATAAATCCCAAAGTACTCACCGGACTTCGGCCACCTCTGAAGAATGGTGGT[G>A]GGAACAGTGGTGGTGGAGGAGGCGTCAGCAGGCAGCATGCTTTGTGGCCACCACGCTTCT-3'
Protein context (NP_005668.2, residues 53-73): LLTPPPPPLF[Pro63Leu]PPFFRGGRSP

ClinVar aggregate classification (germline): Uncertain significance. Review status: criteria provided, multiple submitters, no conflicts (2 of 4 stars). 2 submissions from 2 submitters: Uncertain significance (2). Last evaluated 2023-03-06.

Conditions:
Congenital myasthenic syndrome 5. Identifiers: Orphanet 590, MedGen C1864233, MONDO:0011281, OMIM 603034.
Inborn genetic diseases. Identifiers: MedGen C0950123, MeSH D030342.

Allele frequency attached by ClinVar (database versions not stated): gnomAD exomes below 0.00001; gnomAD 0.00001.

Submissions (2):

Ambry Genetics
Classification: Uncertain significance for Inborn genetic diseases. Last evaluated: 2023-03-06. Review status: criteria provided, single submitter. Criteria: Ambry Variant Classification Scheme 2023. Collection method: clinical testing. Allele origin: germline.

Labcorp Genetics (formerly Invitae), Labcorp
Classification: Uncertain significance for Congenital myasthenic syndrome 5. Last evaluated: 2018-09-13. Review status: criteria provided, single submitter. Criteria: Invitae Variant Classification Sherloc (09022015). Collection method: clinical testing. Allele origin: germline.
Comment: Algorithms developed to predict the effect of missense changes on protein structure and function output the following: (SIFT: "Deleterious"; PolyPhen-2: "Possibly Damaging"; Align-GVGD: "Class C65"). The leucine amino acid residue is found in multiple mammalian species, suggesting that this missense change does not adversely affect protein function. These predictions have not been confirmed by published functional studies. This variant is not present in population databases (ExAC no frequency) and has not been reported in the literature in individuals with a COLQ-related disease. This sequence change replaces proline with leucine at codon 63 of the COLQ protein (p.Pro63Leu). The proline residue is highly conserved and there is a moderate physicochemical difference between proline and leucine. In summary, this variant is a novel missense change that is not predicted to affect protein function. There is no indication that it causes disease, but the available evidence is currently insufficient to prove that conclusively. Therefore, it has been classified as a Variant of Uncertain Significance.